The following is an entry in ClinVar:

NM_006996.3(SLC19A2):c.314G>A (p.Gly105Glu)

Gene: SLC19A2 (solute carrier family 19 member 2; minus strand). Cytogenetic location: 1q24.2.
Variant type: single nucleotide variant.
Coding change: c.314G>A on transcript NM_006996.3 (MANE Select); coding-DNA position 314, G replaced by A.
Protein change: p.Gly105Glu; replaces glycine 105 with glutamic acid.
Molecular consequence: missense variant. On other transcripts: intron variant (1).
Genome position (GRCh38, 1-based): chr1:169,477,648, C>T on the plus strand (G>A on the coding strand, the complement: SLC19A2 is on the minus strand). VCF-style: chr1-169477648-C-T. GRCh37 (hg19) VCF-style: chr1-169446886-C-T.
Other names: c.314G>A (NM_006996.2); c.205-7462G>A (NM_001319667.1); short protein forms G105E.
Identifiers: ClinVar variation 2585580 (VCV002585580.5), dbSNP rs867811009, ClinGen allele CA32387463.

ClinVar aggregate classification (germline): Pathogenic/Likely pathogenic. Review status: criteria provided, multiple submitters, no conflicts (2 of 4 stars). 3 submissions from 3 submitters: Pathogenic (1); Likely pathogenic (2). Last evaluated 2023-11-15.

Conditions:
Megaloblastic anemia, thiamine-responsive, with diabetes mellitus and sensorineural deafness (TRMA). Also called: THIAMINE METABOLISM DYSFUNCTION SYNDROME 1 (MEGALOBLASTIC ANEMIA, DIABETES MELLITUS, AND DEAFNESS TYPE); Thiamine-Responsive Megaloblastic Anemia Syndrome; ROGERS SYNDROME; THIAMINE-RESPONSIVE ANEMIA SYNDROME; THIAMINE-RESPONSIVE MYELODYSPLASIA. Identifiers: Orphanet 49827, MedGen C0342287, MONDO:0009575, OMIM 249270.

Submissions (3):

GeneDx
Classification: Likely pathogenic. Last evaluated: 2023-11-15. Review status: criteria provided, single submitter. Criteria: GeneDx Variant Classification Process June 2021. Collection method: clinical testing. Allele origin: germline. Affected: yes.
Comment: Not observed at significant frequency in large population cohorts (gnomAD); In silico analysis supports that this missense variant has a deleterious effect on protein structure/function; This variant is associated with the following publications: (PMID: 23638917, Olety and Vellakampadi 2016[case report], 35686496, 28371426, 33571483, 24411943, 34187112)

Labcorp Genetics (formerly Invitae), Labcorp
Classification: Pathogenic. Last evaluated: 2023-10-29. Review status: criteria provided, single submitter. Criteria: Invitae Variant Classification Sherloc (09022015). Collection method: clinical testing. Allele origin: germline.
Comment: This sequence change replaces glycine, which is neutral and non-polar, with glutamic acid, which is acidic and polar, at codon 105 of the SLC19A2 protein (p.Gly105Glu). This variant is not present in population databases (gnomAD no frequency). This missense change has been observed in individual(s) with thiamine responsive megaloblastic anemia (PMID: 23638917, 29450569). Advanced modeling of protein sequence and biophysical properties (such as structural, functional, and spatial information, amino acid conservation, physicochemical variation, residue mobility, and thermodynamic stability) performed at Invitae indicates that this missense variant is expected to disrupt SLC19A2 protein function with a positive predictive value of 80%. For these reasons, this variant has been classified as Pathogenic.

Neuberg Centre For Genomic Medicine, NCGM
Classification: Likely pathogenic for Megaloblastic anemia, thiamine-responsive, with diabetes mellitus and sensorineural deafness. Review status: criteria provided, single submitter. Criteria: ACMG Guidelines, 2015. Collection method: clinical testing. Allele origin: germline. Inheritance: Autosomal recessive inheritance. Affected: yes.
Comment: The missense variant c.314G>A (p.Gly105Glu) in SLC19A2 gene has been reported in multiple patients with thiamine responsive megaloblastic anemia (Srikrupa et al. 2014, Vellakampadi et al. 2016). Segregation analysis revealed parents heterozygous for the mutation and unaffected sibling homozygous for wild type (Srikrupa et al. 2014). The p.Gly105Glu variant is novel (not in any individuals) in gnomAD Exomes and 1000 Genomes. The amino acid Gly at position 105 is changed to a Glu changing protein sequence and it might alter its composition and physico-chemical properties. The variant is predicted to be damaging by both SIFT and PolyPhen2. The residue is conserved across species. The amino acid change p.Gly105Glu in SLC19A2 is predicted as conserved by GERP++ and PhyloP across 100 vertebrates. For these reasons, this variant has been classified as Likely Pathogenic.

Literature cited by the submitters: PubMed 23638917 (cited by Labcorp Genetics (formerly Invitae), Labcorp); PubMed 29450569 (cited by Labcorp Genetics (formerly Invitae), Labcorp).